The following is an entry in ClinVar:

NM_001323289.2(CDKL5):c.2109A>T (p.Leu703=)

Gene: CDKL5 (cyclin dependent kinase like 5; plus strand). Cytogenetic location: Xp22.13.
Variant type: single nucleotide variant.
Coding change: c.2109A>T on transcript NM_001323289.2 (MANE Select); coding-DNA position 2109, A replaced by T.
Protein change: p.Leu703=; no amino-acid change (leucine 703 retained).
Molecular consequence: synonymous variant.
Genome position (GRCh38, 1-based): chrX:18,609,527, A>T. VCF-style: chrX-18609527-A-T. GRCh37 (hg19) VCF-style: chrX-18627647-A-T.
Other names: c.2109A>T, p.Leu703= (NM_001037343.2, NM_003159.3).
Identifiers: ClinVar variation 514228 (VCV000514228.12), dbSNP rs761789190, ClinGen allele CA10360461.

ClinVar aggregate classification (germline): Likely benign. Review status: criteria provided, multiple submitters, no conflicts (2 of 4 stars). 2 submissions from 2 submitters: Likely benign (2). Last evaluated 2024-05-13.

Conditions:
Developmental and epileptic encephalopathy, 2 (DEE2). Also called: INFANTILE SPASM SYNDROME, X-LINKED 2; CDKL5 deficiency disorder. Identifiers: Orphanet 1934, Orphanet 3451, Orphanet 505652, MedGen C4750718, MONDO:0010396, OMIM 300672.
Angelman syndrome-like. Identifiers: MedGen CN128785.

Allele frequency attached by ClinVar (database versions not stated): gnomAD exomes below 0.00001; gnomAD 0.00001; TOPMed 0.00002.
gnomAD v4.1: 6 of 1,210,174 alleles (0.0005%); highest among the groups gnomAD compares: Admixed American, 0.0044%; no homozygotes.

Submissions (2):

Labcorp Genetics (formerly Invitae), Labcorp
Classification: Likely benign for Developmental and epileptic encephalopathy, 2; Angelman syndrome-like. Last evaluated: 2024-05-13. Review status: criteria provided, single submitter. Criteria: Invitae Variant Classification Sherloc (09022015). Collection method: clinical testing. Allele origin: germline.

GeneDx
Classification: Likely benign. Last evaluated: 2017-12-26. Review status: criteria provided, single submitter. Criteria: GeneDx Variant Classification (06012015). Collection method: clinical testing. Allele origin: germline. Affected: yes.
Comment: This variant is considered likely benign or benign based on one or more of the following criteria: it is a conservative change, it occurs at a poorly conserved position in the protein, it is predicted to be benign by multiple in silico algorithms, and/or has population frequency not consistent with disease.